The following is an entry in ClinVar:

ClinVar aggregate classification (germline): Uncertain significance (1 of 4 stars; one submission).

Allele frequency attached by ClinVar (database versions not stated): gnomAD 0.00001 and 0.00002; TOPMed 0.00001; ExAC 0.00002; gnomAD exomes 0.00002.
gnomAD v4.1: 17 of 1,613,736 alleles (0.0011%); highest among the groups gnomAD compares: Admixed American, 0.0033%; no homozygotes.

Submission:

Labcorp Genetics (formerly Invitae), Labcorp
Classification: Uncertain significance. Last evaluated: 2024-10-07. Review status: criteria provided, single submitter. Criteria: Invitae Variant Classification Sherloc (09022015). Collection method: clinical testing. Allele origin: germline.
Comment: This sequence change falls in intron 21 of the ADAMTS18 gene. It does not directly change the encoded amino acid sequence of the ADAMTS18 protein. It affects a nucleotide within the consensus splice site. This variant is present in population databases (rs762761294, gnomAD 0.004%). This variant has not been reported in the literature in individuals affected with ADAMTS18-related conditions. ClinVar contains an entry for this variant (Variation ID: 1017272). Variants that disrupt the consensus splice site are a relatively common cause of aberrant splicing (PMID: 17576681, 9536098). Algorithms developed to predict the effect of sequence changes on RNA splicing suggest that this variant may disrupt the consensus splice site. In summary, the available evidence is currently insufficient to determine the role of this variant in disease. Therefore, it has been classified as a Variant of Uncertain Significance.

Literature cited by the submitters: PubMed 17576681; PubMed 9536098.

NM_199355.4(ADAMTS18):c.3402+4G>T

Gene: ADAMTS18 (ADAM metallopeptidase with thrombospondin type 1 motif 18; minus strand). Cytogenetic location: 16q23.1.
Variant type: single nucleotide variant.
Coding change: c.3402+4G>T on transcript NM_199355.4 (MANE Select); 4 bases into the intron after coding-DNA position 3402, G replaced by T.
Molecular consequence: intron variant.
Genome position (GRCh38, 1-based): chr16:77,291,262, C>A on the plus strand (G>T on the coding strand, the complement: ADAMTS18 is on the minus strand). VCF-style: chr16-77291262-C-A. GRCh37 (hg19) VCF-style: chr16-77325159-C-A.
Other names: c.2886+4G>T (NM_001326358.2).
Identifiers: ClinVar variation 1017272 (VCV001017272.6), dbSNP rs762761294, ClinGen allele CA8180471.